The following is an entry in ClinVar:

NM_000400.4(ERCC2):c.656A>G (p.Asp219Gly)

Gene: ERCC2 (ERCC excision repair 2, TFIIH core complex helicase subunit; minus strand). Cytogenetic location: 19q13.32.
Variant type: single nucleotide variant.
Coding change: c.656A>G on transcript NM_000400.4 (MANE Select); coding-DNA position 656, A replaced by G.
Protein change: p.Asp219Gly; replaces aspartic acid 219 with glycine.
Molecular consequence: missense variant.
Genome position (GRCh38, 1-based): chr19:45,364,486, T>C on the plus strand (A>G on the coding strand, the complement: ERCC2 is on the minus strand). VCF-style: chr19-45364486-T-C. GRCh37 (hg19) VCF-style: chr19-45867744-T-C.
Other names: c.584A>G, p.Asp195Gly (NM_001130867.2); short protein forms D195G, D219G.
Identifiers: ClinVar variation 3231706 (VCV003231706.1), dbSNP rs1468330154, ClinGen allele CA406374392.

ClinVar aggregate classification (germline): Uncertain significance (1 of 4 stars; one submission).

Conditions:
Inborn genetic diseases. Identifiers: MedGen C0950123, MeSH D030342.

Submission:

Ambry Genetics
Classification: Uncertain significance for Inborn genetic diseases. Last evaluated: 2023-09-16. Review status: criteria provided, single submitter. Criteria: Ambry Variant Classification Scheme 2023. Collection method: clinical testing. Allele origin: germline.
Comment: The p.D219G variant (also known as c.656A>G), located in coding exon 8 of the ERCC2 gene, results from an A to G substitution at nucleotide position 656. The aspartic acid at codon 219 is replaced by glycine, an amino acid with similar properties. This amino acid position is conserved. In addition, the in silico prediction for this alteration is inconclusive. Since supporting evidence is limited at this time, the clinical significance of this alteration remains unclear.